The following is an entry in ClinVar:

NC_000022.10:g.(?_25601167)_(25601349_?)dup

Gene: CRYBB3 (crystallin beta B3; plus strand). Cytogenetic location: 22q11.23.
Variant type: Duplication.
Identifiers: ClinVar variation 2425017 (VCV002425017.4).

ClinVar aggregate classification (germline): Uncertain significance (1 of 4 stars; one submission).

Conditions:
Cataract 22 multiple types. Also called: CATARACT 22, MULTIPLE TYPES, AUTOSOMAL DOMINANT; CATARACT 22, NUCLEAR, AUTOSOMAL RECESSIVE; Cataract 22. Identifiers: Orphanet 91492, MedGen C1857853, MONDO:0012336, OMIM 609741.

Submission:

Labcorp Genetics (formerly Invitae), Labcorp
Classification: Uncertain significance for Cataract 22 multiple types. Last evaluated: 2022-05-08. Review status: criteria provided, single submitter. Criteria: Invitae Variant Classification Sherloc (09022015). Collection method: clinical testing. Allele origin: germline.
Comment: In summary, the available evidence is currently insufficient to determine the role of this variant in disease. Therefore, it has been classified as a Variant of Uncertain Significance. Experimental studies and prediction algorithms are not available or were not evaluated, and the functional significance of this variant is currently unknown. This variant has not been reported in the literature in individuals affected with CRYBB3-related conditions. This variant results in a copy number gain of the genomic region encompassing exon(s) 5 of the CRYBB3 gene. While the exact position of this variant cannot be determined from the data, sub-genic copy number gains are generally in tandem (PMID: 25640679). This variant is predicted to be out-of-frame, and may result in an absent or disrupted protein product. However, the current clinical and genetic evidence is not sufficient to establish whether loss-of-function variants in CRYBB3 cause disease.

Literature cited by the submitters: PubMed 25640679.